The following is an entry in ClinVar:

NM_000751.3(CHRND):c.2T>C (p.Met1Thr)

Gene: CHRND (cholinergic receptor nicotinic delta subunit; plus strand). Cytogenetic location: 2q37.1.
Variant type: single nucleotide variant.
Coding change: c.2T>C on transcript NM_000751.3 (MANE Select); coding-DNA position 2, T replaced by C.
Protein change: p.Met1Thr; changes the start codon (methionine 1).
Molecular consequence: missense variant, initiator codon variant. On other transcripts: 5 prime UTR variant (2).
Genome position (GRCh38, 1-based): chr2:232,526,217, T>C. VCF-style: chr2-232526217-T-C. GRCh37 (hg19) VCF-style: chr2-233390927-T-C.
Other names: c.2T>C, p.Met1Thr (NM_001256657.2); c.-270T>C (NM_001311195.2, NM_001311196.2); short protein forms M1T.
Identifiers: ClinVar variation 1492568 (VCV001492568.7), dbSNP rs750174953, ClinGen allele CA2167853.
Genomic context (GRCh38, chr2:232,526,217, plus strand): 5'-CTCATTCCACAGCCCTGTAGACAGGAGGGGCAGATGCACGTCCCAGTCAGAGGGATGGGA[T>C]GGAGGGGCCAGTGCTGACACTGGGGCTGCTGGCTGCCCTGGCGGTGTGTGGTAAGGGAAG-3'
Protein context (NP_000742.1, residues 1-11): [Met1Thr]EGPVLTLGLL

ClinVar aggregate classification (germline): Pathogenic (1 of 4 stars; one submission).

Conditions:
Lethal multiple pterygium syndrome (LMPS). Identifiers: Orphanet 33108, MedGen C1854678, MONDO:0009668, OMIM 253290.

Allele frequency attached by ClinVar (database versions not stated): gnomAD exomes below 0.00001; ExAC 0.00001.

Submission:

Labcorp Genetics (formerly Invitae), Labcorp
Classification: Pathogenic for Lethal multiple pterygium syndrome. Last evaluated: 2022-10-31. Review status: criteria provided, single submitter. Criteria: Invitae Variant Classification Sherloc (09022015). Collection method: clinical testing. Allele origin: germline.
Comment: For these reasons, this variant has been classified as Pathogenic. This variant disrupts a region of the CHRND protein in which other variant(s) (p.Arg43Trp) have been determined to be pathogenic (PMID: 25264167). This suggests that this is a clinically significant region of the protein, and that variants that disrupt it are likely to be disease-causing. ClinVar contains an entry for this variant (Variation ID: 1492568). This variant has not been reported in the literature in individuals affected with CHRND-related conditions. The frequency data for this variant in the population databases is considered unreliable, as metrics indicate poor data quality at this position in the gnomAD database. This sequence change affects the initiator methionine of the CHRND mRNA. The next in-frame methionine is located at codon 107.

Literature cited by the submitters: PubMed 25264167.